The following is an entry in ClinVar:

ClinVar aggregate classification (germline): Uncertain significance. Review status: criteria provided, multiple submitters, no conflicts (2 of 4 stars). 2 submissions from 2 submitters: Uncertain significance (2). Last evaluated 2025-09-05.

Conditions:
Inborn genetic diseases. Identifiers: MedGen C0950123, MeSH D030342.

Allele frequency attached by ClinVar (database versions not stated): TOPMed 0.00001; ExAC 0.00002; gnomAD 0.00002.
gnomAD v4.1: 47 of 1,590,972 alleles (0.003%); highest among the groups gnomAD compares: Non-Finnish European, 0.0038%; no homozygotes.

Submissions (2):

Ambry Genetics
Classification: Uncertain significance for Inborn genetic diseases. Last evaluated: 2025-09-05. Review status: criteria provided, single submitter. Criteria: Ambry Variant Classification Scheme 2023. Collection method: clinical testing. Allele origin: germline.

Labcorp Genetics (formerly Invitae), Labcorp
Classification: Uncertain significance. Last evaluated: 2022-04-30. Review status: criteria provided, single submitter. Criteria: Invitae Variant Classification Sherloc (09022015). Collection method: clinical testing. Allele origin: germline.
Comment: This sequence change replaces alanine, which is neutral and non-polar, with glycine, which is neutral and non-polar, at codon 826 of the LTBP4 protein (p.Ala826Gly). This variant is present in population databases (rs779892228, gnomAD 0.002%). This variant has not been reported in the literature in individuals affected with LTBP4-related conditions. Experimental studies and prediction algorithms are not available or were not evaluated, and the functional significance of this variant is currently unknown. In summary, the available evidence is currently insufficient to determine the role of this variant in disease. Therefore, it has been classified as a Variant of Uncertain Significance.

NM_001042545.2(LTBP4):c.2387C>G (p.Ala796Gly)

Gene: LTBP4 (latent transforming growth factor beta binding protein 4; plus strand). Cytogenetic location: 19q13.2.
Variant type: single nucleotide variant.
Coding change: c.2387C>G on transcript NM_001042545.2 (MANE Select); coding-DNA position 2387, C replaced by G.
Protein change: p.Ala796Gly; replaces alanine 796 with glycine.
Molecular consequence: missense variant.
Genome position (GRCh38, 1-based): chr19:40,613,152, C>G. VCF-style: chr19-40613152-C-G. GRCh37 (hg19) VCF-style: chr19-41119058-C-G.
Other names: c.2588C>G, p.Ala863Gly (NM_001042544.1); c.2477C>G, p.Ala826Gly (NM_003573.2); short protein forms A863G, A826G, A796G.
Identifiers: ClinVar variation 1919438 (VCV001919438.3), dbSNP rs779892228, ClinGen allele CA9448648.